The following is an entry in ClinVar:

ClinVar aggregate classification (germline): Conflicting classifications of pathogenicity. Review status: criteria provided, conflicting classifications (1 of 4 stars). 6 submissions from 2 submitters: Uncertain significance (1); Benign (1); Likely benign (4). Last evaluated 2026-07-01.

Conditions:
Craniosynostosis syndrome. Also called: Craniosynostosis. Identifiers: Orphanet 1531, MedGen C0010278, MeSH D003398, MONDO:0015469, HP:0001363.
Isolated Coronal Synostosis. Identifiers: MedGen CN043619.
Saethre-Chotzen syndrome (SCS). Also called: ACROCEPHALY, SKULL ASYMMETRY, AND MILD SYNDACTYLY; ACS III; CHOTZEN SYNDROME. Identifiers: Orphanet 794, MedGen C0175699, MONDO:0007042, OMIM 101400.
Crouzon syndrome. Also called: Craniofacial dysostosis; Craniofacial dysostosis type 1; Crouzon craniofacial dysostosis; Crouzon disease; CRANIOFACIAL DYSOSTOSIS, TYPE I. Identifiers: Orphanet 207, MedGen C0010273, MeSH D003394, MONDO:0007405, OMIM 123500, HP:0004439.
Beare-Stevenson cutis gyrata syndrome (BSTVS). Identifiers: Orphanet 1555, MedGen C1852406, MONDO:0007412, OMIM 123790.

Allele frequency attached by ClinVar (database versions not stated): gnomAD 0.00029 and 0.00064; TOPMed 0.00035; gnomAD exomes 0.00076; 1000 Genomes Project 0.00080; 1000 Genomes Project 30x 0.00109.
gnomAD v4.1: 158 of 232,810 alleles (0.068%); highest among the groups gnomAD compares: South Asian, 1%; 1 homozygote.

Submissions (6):

CeGaT Center for Human Genetics Tuebingen
Classification: Likely benign. Last evaluated: 2026-07-01. Review status: criteria provided, single submitter. Criteria: CeGaT Center For Human Genetics Tuebingen Variant Classification Criteria Version 2. Collection method: clinical testing. Allele origin: germline. Affected: yes. Observed: 3 variant alleles.
Comment: FGFR2: BS1

Illumina Laboratory Services, Illumina
Classification: Benign for Beare-Stevenson cutis gyrata syndrome. Last evaluated: 2018-01-12. Review status: criteria provided, single submitter. Criteria: ICSL Variant Classification Criteria 13 December 2019. Collection method: clinical testing. Allele origin: germline.
Comment: This variant was observed in the ICSL laboratory as part of a predisposition screen in an ostensibly healthy population. It had not been previously curated by ICSL or reported in the Human Gene Mutation Database (HGMD: prior to June 1st, 2018), and was therefore a candidate for classification through an automated scoring system. Utilizing variant allele frequency, disease prevalence and penetrance estimates, and inheritance mode, an automated score was calculated to assess if this variant is too frequent to cause the disease. Based on the score and internal cut-off values, a variant classified as benign is not then subjected to further curation. The score for this variant resulted in a classification of benign for this disease.

Illumina Laboratory Services, Illumina
Classification: Likely benign for Crouzon syndrome. Last evaluated: 2018-01-12. Review status: criteria provided, single submitter. Criteria: ICSL Variant Classification Criteria 13 December 2019. Collection method: clinical testing. Allele origin: germline.
Comment: This variant was observed in the ICSL laboratory as part of a predisposition screen in an ostensibly healthy population. It had not been previously curated by ICSL or reported in the Human Gene Mutation Database (HGMD: prior to June 1st, 2018), and was therefore a candidate for classification through an automated scoring system. Utilizing variant allele frequency, disease prevalence and penetrance estimates, and inheritance mode, an automated score was calculated to assess if this variant is too frequent to cause the disease. Based on the score and internal cut-off values, a variant classified as likely benign is not then subjected to further curation. The score for this variant resulted in a classification of likely benign for this disease.

Illumina Laboratory Services, Illumina
Classification: Likely benign for Craniosynostosis. Last evaluated: 2018-01-12. Review status: criteria provided, single submitter. Criteria: ICSL Variant Classification Criteria 13 December 2019. Collection method: clinical testing. Allele origin: germline.
Comment: the same text as in the submission from Illumina Laboratory Services, Illumina above.

Illumina Laboratory Services, Illumina
Classification: Uncertain significance for Isolated coronal synostosis. Last evaluated: 2018-01-12. Review status: criteria provided, single submitter. Criteria: ICSL Variant Classification Criteria 13 December 2019. Collection method: clinical testing. Allele origin: germline.

Illumina Laboratory Services, Illumina
Classification: Likely benign for Saethre-Chotzen syndrome. Last evaluated: 2018-01-12. Review status: criteria provided, single submitter. Criteria: ICSL Variant Classification Criteria 13 December 2019. Collection method: clinical testing. Allele origin: germline.
Comment: the same text as in the submission from Illumina Laboratory Services, Illumina above.

NM_000141.5(FGFR2):c.*674G>T

Gene: FGFR2 (fibroblast growth factor receptor 2; minus strand). Cytogenetic location: 10q26.13.
Variant type: single nucleotide variant.
Coding change: c.*674G>T on transcript NM_000141.5 (MANE Select); 674 bases downstream of the stop codon, G replaced by T.
Molecular consequence: 3 prime UTR variant. On other transcripts: non-coding transcript variant (1).
Genome position (GRCh38, 1-based): chr10:121,479,183, C>A on the plus strand (G>T on the coding strand, the complement: FGFR2 is on the minus strand). VCF-style: chr10-121479183-C-A. GRCh37 (hg19) VCF-style: chr10-123238697-C-A.
Other names: c.*674G>T (NM_001144914.1, NM_001144916.2, NM_001144917.2 and 5 more transcripts); c.*398G>T (NM_001144915.2).
Identifiers: ClinVar variation 298985 (VCV000298985.29), dbSNP rs566155088, ClinGen allele CA10634793.